The following is an entry in ClinVar:

NM_000070.3(CAPN3):c.717del (p.Phe239fs)

Gene: CAPN3 (calpain 3; plus strand). Cytogenetic location: 15q15.1.
Variant type: Deletion.
Coding change: c.717del on transcript NM_000070.3 (MANE Select); coding-DNA position 717, one base deleted (T; older notation c.717delT).
Protein change: p.Phe239fs; shifts the reading frame from phenylalanine 239.
Molecular consequence: frameshift variant.
Genome position (GRCh38, 1-based): chr15:42,389,012, T deleted; the last of 6 consecutive T bases (chr15:42,389,007-42,389,012); deleting any one gives the same sequence. VCF-style (leftmost placement, unchanged base first): chr15-42389006-GT-G. GRCh37 (hg19) VCF-style: chr15-42681204-GT-G.
Other names: NM_000070.3(CAPN3):c.717del; p.Phe239fs; c.717del, p.Phe239fs (NM_024344.2, NM_173087.2); c.717delT (NM_000070.3); short protein forms F239fs.
Identifiers: ClinVar variation 284807 (VCV000284807.40), dbSNP rs776059672, ClinGen allele CA7511095.

ClinVar aggregate classification (germline): Pathogenic. Review status: reviewed by expert panel (3 of 4 stars). 9 submissions from 9 submitters: Pathogenic (1). 8 of the submissions do not count toward it. Last evaluated 2026-04-29.

Conditions:
Muscular dystrophy, limb-girdle, autosomal dominant 4. Also called: MUSCULAR DYSTROPHY, LIMB-GIRDLE, TYPE 1I; Calpain-3-related limb-girdle muscular dystrophy D4. Identifiers: Orphanet 565909, MedGen C4748295, MONDO:0029133, OMIM 618129.
Autosomal recessive limb-girdle muscular dystrophy type 2A (LGMDR1). Also called: Limb-girdle muscular dystrophy, type 2A; LEYDEN-MOEBIUS MUSCULAR DYSTROPHY; MUSCULAR DYSTROPHY, PELVOFEMORAL; Calpainopathy; Muscular dystrophy, limb-girdle, type 2A, Amish. Identifiers: Orphanet 267, MedGen C1869123, MONDO:0009675, OMIM 253600. Disease mechanism: loss of function.
Autosomal recessive limb-girdle muscular dystrophy. Identifiers: Orphanet 102015, MedGen C2931907, MONDO:0015152.
Abnormality of the musculature. Identifiers: MedGen C4021745, HP:0003011.

Submissions (9):

ClinGen Limb Girdle Muscular Dystrophy Variant Curation Expert Panel, ClinGen
Classification: Pathogenic for Autosomal recessive limb-girdle muscular dystrophy. Last evaluated: 2026-04-29. Review status: reviewed by expert panel. Criteria: ClinGen LGMD VCEP ACMG Specifications CAPN3 V2.0.0. Collection method: curation. Allele origin: germline. Inheritance: Autosomal recessive inheritance.
Comment: The NM_000070.3: c.717del (p.Phe239LeufsTer14) variant in CAPN3 is a frameshift variant predicted to cause a premature stop codon in biologically relevant exon 5/24, leading to nonsense mediated decay in a gene in which loss of function is an established disease mechanism (PVS1). This variant has been identified in a homozygous state in six patients with signs of LGMD (1.0 pt; PMID: 10330340, 18073330, 17236769; PM3). At least one of the patients had a clinical diagnosis of LGMD and absent calpain-3 protein expression, which is highly specific for CAPN3-related LGMD (PMID: 17236769; PP4_Strong). The upper bound of the 95% confidence interval of the Grpmax variant allele frequency in gnomAD v4.1.1 is 0.00001 (6/1180006 European (non-Finnish) chromosomes), which is lower than the ClinGen LGMD VCEP threshold (<0.0001) for PM2_Supporting, and therefore meets this criterion (PM2_Supporting). In summary, this variant meets the criteria to be classified as Pathogenic for autosomal recessive limb girdle muscular dystrophy based on the ACMG/AMP criteria applied, as specified by the ClinGen LGMD VCEP (specifications v2.0.0; 04/29/2026): PVS1, PM3, PP4_Strong, PM2_Supporting.

Institute of Human Genetics, Heidelberg University
Classification: Pathogenic for Autosomal recessive limb-girdle muscular dystrophy type 2A. Last evaluated: 2026-02-27. Review status: criteria provided, single submitter. Criteria: ACMG Guidelines, 2015. Collection method: clinical testing. Allele origin: paternal. Affected: yes. Observed: 2 variant alleles. Not counted in ClinVar's aggregate classification.
Comment: PVS1_vs, PM2_supp, PP4_mod, PP1_supp

First Genomix Gene Laboratory, Genetic Diagnostics Department
Classification: Pathogenic for Autosomal recessive limb-girdle muscular dystrophy type 2A. Last evaluated: 2025-03-20. Review status: criteria provided, single submitter. Criteria: ACMG Guidelines, 2015. Collection method: clinical testing. Allele origin: germline. Inheritance: Autosomal recessive inheritance. Affected: no. Observed: 1 variant allele. Not counted in ClinVar's aggregate classification.

Labcorp Genetics (formerly Invitae), Labcorp
Classification: Pathogenic for Autosomal recessive limb-girdle muscular dystrophy type 2A. Last evaluated: 2023-02-24. Review status: criteria provided, single submitter. Criteria: Invitae Variant Classification Sherloc (09022015). Collection method: clinical testing. Allele origin: germline. Not counted in ClinVar's aggregate classification.
Comment: For these reasons, this variant has been classified as Pathogenic. ClinVar contains an entry for this variant (Variation ID: 284807). This premature translational stop signal has been observed in individual(s) with autosomal recessive limb-girdle muscular dystrophy (PMID: 9150160). It has also been observed to segregate with disease in related individuals. This variant is present in population databases (rs776059672, gnomAD 0.003%). This sequence change creates a premature translational stop signal (p.Phe239Leufs*14) in the CAPN3 gene. It is expected to result in an absent or disrupted protein product. Loss-of-function variants in CAPN3 are known to be pathogenic (PMID: 10330340, 15689361).

MGZ Medical Genetics Center
Classification: Pathogenic for Autosomal recessive limb-girdle muscular dystrophy type 2A. Last evaluated: 2022-08-01. Review status: criteria provided, single submitter. Criteria: ACMG Guidelines, 2015. Collection method: clinical testing. Allele origin: germline. Affected: yes. Observed: 1 variant allele. Not counted in ClinVar's aggregate classification.
Comment: ACMG criteria applied: PVS1, PS4_MOD, PM2_SUP

Kariminejad - Najmabadi Pathology & Genetics Center
Classification: Pathogenic for Abnormality of the musculature. Last evaluated: 2021-07-10. Review status: criteria provided, single submitter. Criteria: ACMG Guidelines, 2015. Collection method: clinical testing. Allele origin: germline. Affected: yes. Not counted in ClinVar's aggregate classification.

Eurofins Ntd Llc (ga)
Classification: Pathogenic. Last evaluated: 2015-11-13. Review status: criteria provided, single submitter. Criteria: EGL Classification Definitions 2015. Collection method: clinical testing. Allele origin: germline. Observed: 2 variant alleles, 1 heterozygote, 1 homozygote. Not counted in ClinVar's aggregate classification.

Juno Genomics, Hangzhou Juno Genomics, Inc
Classification: Pathogenic for Muscular dystrophy, limb-girdle, autosomal dominant 4; Autosomal recessive limb-girdle muscular dystrophy type 2A. Review status: criteria provided, single submitter. Criteria: ACMG Guidelines, 2015. Collection method: clinical testing. Allele origin: germline. Not counted in ClinVar's aggregate classification.
Comment: Absent from controls (or at extremely low frequency if recessive) in Genome Aggregation Database.;Null variant in a gene where loss of function (LOF) is a known mechanism of disease.;For recessive disorders, detected in trans with a pathogenic variant.

Counsyl
Classification: Likely pathogenic for Autosomal recessive limb-girdle muscular dystrophy type 2A. Last evaluated: 2017-10-06. Review status: no assertion criteria provided. Collection method: clinical testing. Allele origin: unknown. Not counted in ClinVar's aggregate classification.

Literature cited by the submitters: PubMed 9150160 (cited by Labcorp Genetics (formerly Invitae), Labcorp and Counsyl); PubMed 10330340 (cited by Labcorp Genetics (formerly Invitae), Labcorp); PubMed 15689361 (cited by Labcorp Genetics (formerly Invitae), Labcorp).